The following is an entry in ClinVar:

ClinVar aggregate classification (germline): Uncertain significance (1 of 4 stars; one submission).

Conditions:
Progressive sclerosing poliodystrophy (MTDPS4A). Also called: Mitochondrial DNA depletion syndrome 4A (Alpers type); ALPERS PROGRESSIVE INFANTILE POLIODYSTROPHY; NEURONAL DEGENERATION OF CHILDHOOD WITH LIVER DISEASE, PROGRESSIVE; Alpers Syndrome; ALPERS DIFFUSE DEGENERATION OF CEREBRAL GRAY MATTER WITH HEPATIC CIRRHOSIS; Alpers-Huttenlocher Syndrome. Identifiers: Orphanet 726, MedGen C0205710, MONDO:0008758, OMIM 203700.

Submission:

Labcorp Genetics (formerly Invitae), Labcorp
Classification: Uncertain significance for Progressive sclerosing poliodystrophy. Last evaluated: 2026-01-22. Review status: criteria provided, single submitter. Criteria: Invitae Variant Classification Sherloc (09022015). Collection method: clinical testing. Allele origin: germline.
Comment: This sequence change replaces valine, which is neutral and non-polar, with phenylalanine, which is neutral and non-polar, at codon 353 of the POLG protein (p.Val353Phe). This variant is not present in population databases (gnomAD no frequency). This variant has not been reported in the literature in individuals affected with POLG-related conditions. ClinVar contains an entry for this variant (Variation ID: 2190537). Invitae Evidence Modeling of protein sequence and biophysical properties (such as structural, functional, and spatial information, amino acid conservation, physicochemical variation, residue mobility, and thermodynamic stability) indicates that this missense variant is not expected to disrupt POLG protein function with a negative predictive value of 95%. In summary, the available evidence is currently insufficient to determine the role of this variant in disease. Therefore, it has been classified as a Variant of Uncertain Significance.

NM_002693.3(POLG):c.1057G>T (p.Val353Phe)

Gene: POLG (DNA polymerase gamma, catalytic subunit; minus strand). Cytogenetic location: 15q26.1.
Variant type: single nucleotide variant.
Coding change: c.1057G>T on transcript NM_002693.3 (MANE Select); coding-DNA position 1057, G replaced by T.
Protein change: p.Val353Phe; replaces valine 353 with phenylalanine.
Molecular consequence: missense variant.
Genome position (GRCh38, 1-based): chr15:89,328,798, C>A on the plus strand (G>T on the coding strand, the complement: POLG is on the minus strand). VCF-style: chr15-89328798-C-A. GRCh37 (hg19) VCF-style: chr15-89872029-C-A.
Other names: c.1057G>T, p.Val353Phe (NM_001126131.2); short protein forms V353F.
Identifiers: ClinVar variation 2190537 (VCV002190537.2), dbSNP rs1319774669, ClinGen allele CA393765074.
Genomic context (GRCh38, chr15:89,328,798, plus strand): 5'-GCTCCTTCTCTAAGGGAGGCCCCCCTACATAAAGTCTGTGCACCTCTGCCAGACTGTTGA[C>A]ACTGCTGATGTCCAGCCAGTCCCAGGATGAGATCTGGGGAACCAGAGCAAGGGACATGGC-3'
Protein context (NP_002684.1, residues 343-363): SSWDWLDISS[Val353Phe]NSLAEVHRLY